The following is an entry in ClinVar:

ClinVar aggregate classification (germline): Conflicting classifications of pathogenicity. Review status: criteria provided, conflicting classifications (1 of 4 stars). 6 submissions from 6 submitters: Uncertain significance (2); Likely benign (3). 1 of the submissions does not count toward it. Last evaluated 2026-01-21.

Conditions:
RASopathy. Also called: Noonan spectrum disorder; rasopathies. Identifiers: Orphanet 536391, MedGen C5555857, MONDO:0021060.
Cardiovascular phenotype. Identifiers: MedGen CN230736.
CBL-related disorder. Also called: CBL MUTATION-ASSOCIATED SYNDROME; CBL SYNDROME; NOONAN SYNDROME-LIKE DISORDER WITHOUT JUVENILE MYELOMONOCYTIC LEUKEMIA. Identifiers: Orphanet 363972, MedGen C3150803, MONDO:0013308, OMIM 613563.
Noonan syndrome and Noonan-related syndrome. Identifiers: Orphanet 98733, MedGen C5681679, MONDO:0020297.

Allele frequency attached by ClinVar (database versions not stated): gnomAD exomes 0.00007 and 0.00021; gnomAD 0.00011; ExAC 0.00016; TOPMed 0.00020; ESP Exome Variant Server 0.00023.
gnomAD v4.1: 124 of 1,614,022 alleles (0.0077%); highest among the groups gnomAD compares: Middle Eastern, 0.2%; no homozygotes.

Submissions (6):

Labcorp Genetics (formerly Invitae), Labcorp
Classification: Likely benign for RASopathy. Last evaluated: 2026-01-21. Review status: criteria provided, single submitter. Criteria: Invitae Variant Classification Sherloc (09022015). Collection method: clinical testing. Allele origin: germline.

Blueprint Genetics
Classification: Likely benign. Last evaluated: 2023-08-09. Review status: criteria provided, single submitter. Criteria: ACMG Guidelines, 2015. Collection method: clinical testing. Allele origin: germline.

Ambry Genetics
Classification: Likely benign for Cardiovascular phenotype. Last evaluated: 2021-09-07. Review status: criteria provided, single submitter. Criteria: Ambry Variant Classification Scheme 2023. Collection method: clinical testing. Allele origin: germline.

Genome Diagnostics Laboratory, The Hospital for Sick Children
Classification: Uncertain significance for Noonan syndrome and Noonan-related syndrome. Last evaluated: 2020-05-01. Review status: criteria provided, single submitter. Criteria: ACMG Guidelines, 2015. Collection method: clinical testing. Allele origin: germline.

Laboratory for Molecular Medicine, Mass General Brigham Personalized Medicine
Classification: Uncertain significance. Last evaluated: 2014-05-02. Review status: criteria provided, single submitter. Criteria: LMM Criteria. Collection method: clinical testing. Allele origin: germline. Observed: 1 variant allele.
Comment: The Arg787Cys variant in CBL has not been previously reported in individuals wit h Noonan syndrome, but has been identified in 1/8590 of European American chromo somes and in 2/4398 of African American chromosomes by the NHLBI Exome Sequencin g Project (dbSNP rs143132980). Computational predi ction tools and conservation analysis suggest that the Arg787 variant may impact the protein, though this information is not predictive enough to determine path ogenicity. In summary, the clinical significance of the Arg787Cys variant is unc ertain.

PreventionGenetics, part of Exact Sciences
Classification: Likely benign for CBL-related condition. Last evaluated: 2022-12-29. Review status: no assertion criteria provided. Collection method: clinical testing. Allele origin: germline. Not counted in ClinVar's aggregate classification.
Comment: This variant is classified as likely benign based on ACMG/AMP sequence variant interpretation guidelines (Richards et al. 2015 PMID: 25741868, with internal and published modifications).

NM_005188.4(CBL):c.2359C>T (p.Arg787Cys)

Gene: CBL (Cbl proto-oncogene; plus strand). Cytogenetic location: 11q23.3.
Variant type: single nucleotide variant.
Coding change: c.2359C>T on transcript NM_005188.4 (MANE Select); coding-DNA position 2359, C replaced by T.
Protein change: p.Arg787Cys; replaces arginine 787 with cysteine.
Molecular consequence: missense variant.
Genome position (GRCh38, 1-based): chr11:119,298,465, C>T. VCF-style: chr11-119298465-C-T. GRCh37 (hg19) VCF-style: chr11-119169175-C-T.
Other names: short protein forms R787C.
Identifiers: ClinVar variation 178012 (VCV000178012.23), dbSNP rs143132980, ClinGen allele CA181178.